The following is an entry in ClinVar:

NM_000488.4(SERPINC1):c.860A>T (p.Glu287Val)

Gene: SERPINC1 (serpin family C member 1; minus strand). Cytogenetic location: 1q25.1.
Variant type: single nucleotide variant.
Coding change: c.860A>T on transcript NM_000488.4 (MANE Select); coding-DNA position 860, A replaced by T.
Protein change: p.Glu287Val; replaces glutamic acid 287 with valine.
Molecular consequence: missense variant.
Genome position (GRCh38, 1-based): chr1:173,909,845, T>A on the plus strand (A>T on the coding strand, the complement: SERPINC1 is on the minus strand). VCF-style: chr1-173909845-T-A. GRCh37 (hg19) VCF-style: chr1-173878983-T-A.
Other names: c.716A>T, p.Glu239Val (NM_001365052.2); c.983A>T, p.Glu328Val (NM_001386302.1); c.941A>T, p.Glu314Val (NM_001386303.1); c.839A>T, p.Glu280Val (NM_001386304.1); c.803A>T, p.Glu268Val (NM_001386305.1); c.644A>T, p.Glu215Val (NM_001386306.1); short protein forms E287V, E239V, E215V, E268V, E280V, E314V, E328V.
Identifiers: ClinVar variation 937670 (VCV000937670.6), dbSNP rs1404578967, ClinGen allele CA343774492.
Genomic context (GRCh38, chr1:173,909,845, plus strand): 5'-TTGAAGGGCAACTCAAGCACCTGGGTGCCTTCAGCCACGCGCCGATAACGGAACTTGCCT[T>A]CCTGGTACATCATAGATGCTGAACACGACTCTCCATCAGCCTTGTAGAACAGTTCCTTCC-3'
Protein context (NP_000479.1, residues 277-297): ESCSASMMYQ[Glu287Val]GKFRYRRVAE

ClinVar aggregate classification (germline): Uncertain significance (1 of 4 stars; one submission).

Conditions:
Hereditary antithrombin deficiency (AT3D). Also called: Antithrombin deficiency; Antithrombin III deficiency; Thrombophilia due to antithrombin III deficiency; Reduced antithrombin III activity. Identifiers: Orphanet 82, MedGen C0272375, MONDO:0013144, OMIM 613118, HP:0001976.

Submission:

Labcorp Genetics (formerly Invitae), Labcorp
Classification: Uncertain significance for Hereditary antithrombin deficiency. Last evaluated: 2019-06-29. Review status: criteria provided, single submitter. Criteria: Invitae Variant Classification Sherloc (09022015). Collection method: clinical testing. Allele origin: germline.
Comment: Algorithms developed to predict the effect of missense changes on protein structure and function (SIFT, PolyPhen-2, Align-GVGD) all suggest that this variant is likely to be disruptive, but these predictions have not been confirmed by published functional studies and their clinical significance is uncertain. This variant has not been reported in the literature in individuals with SERPINC1-related conditions. This variant is not present in population databases (ExAC no frequency). This sequence change replaces glutamic acid with valine at codon 287 of the SERPINC1 protein (p.Glu287Val). The glutamic acid residue is highly conserved and there is a moderate physicochemical difference between glutamic acid and valine. Algorithms developed to predict the effect of sequence changes on RNA splicing suggest that this variant may create or strengthen a splice site, but this prediction has not been confirmed by published transcriptional studies. In summary, the available evidence is currently insufficient to determine the role of this variant in disease. Therefore, it has been classified as a Variant of Uncertain Significance.